The following is an entry in ClinVar:

NM_001605.3(AARS1):c.462G>C (p.Gln154His)

Gene: AARS1 (alanyl-tRNA synthetase 1; minus strand). Cytogenetic location: 16q22.1.
Variant type: single nucleotide variant.
Coding change: c.462G>C on transcript NM_001605.3 (MANE Select); coding-DNA position 462, G replaced by C.
Protein change: p.Gln154His; replaces glutamine 154 with histidine.
Molecular consequence: missense variant.
Genome position (GRCh38, 1-based): chr16:70,276,503, C>G on the plus strand (G>C on the coding strand, the complement: AARS1 is on the minus strand). VCF-style: chr16-70276503-C-G. GRCh37 (hg19) VCF-style: chr16-70310406-C-G.
Other names: short protein forms Q154H.
Identifiers: ClinVar variation 543211 (VCV000543211.9), dbSNP rs1164802341, ClinGen allele CA396568560.

ClinVar aggregate classification (germline): Uncertain significance. Review status: criteria provided, multiple submitters, no conflicts (2 of 4 stars). 2 submissions from 2 submitters: Uncertain significance (2). Last evaluated 2025-09-25.

Conditions:
Charcot-Marie-Tooth disease type 2. Also called: Charcot-Marie-Tooth type 2. Identifiers: Orphanet 64746, MedGen C0270914, MONDO:0018993.
Inborn genetic diseases. Identifiers: MedGen C0950123, MeSH D030342.

Allele frequency attached by ClinVar (database versions not stated): gnomAD exomes below 0.00001.
gnomAD v4.1: 8 of 1,614,096 alleles (0.0005%); highest among the groups gnomAD compares: Non-Finnish European, 0.00068%; no homozygotes.

Submissions (2):

Ambry Genetics
Classification: Uncertain significance for Inborn genetic diseases. Last evaluated: 2025-09-25. Review status: criteria provided, single submitter. Criteria: Ambry Variant Classification Scheme 2023. Collection method: clinical testing. Allele origin: germline.

Labcorp Genetics (formerly Invitae), Labcorp
Classification: Uncertain significance for Charcot-Marie-Tooth disease type 2. Last evaluated: 2022-09-09. Review status: criteria provided, single submitter. Criteria: Invitae Variant Classification Sherloc (09022015). Collection method: clinical testing. Allele origin: germline.
Comment: In summary, the available evidence is currently insufficient to determine the role of this variant in disease. Therefore, it has been classified as a Variant of Uncertain Significance. Advanced modeling of protein sequence and biophysical properties (such as structural, functional, and spatial information, amino acid conservation, physicochemical variation, residue mobility, and thermodynamic stability) performed at Invitae indicates that this missense variant is not expected to disrupt AARS protein function. ClinVar contains an entry for this variant (Variation ID: 543211). This variant has not been reported in the literature in individuals affected with AARS-related conditions. This variant is present in population databases (no rsID available, gnomAD 0.0009%). This sequence change replaces glutamine, which is neutral and polar, with histidine, which is basic and polar, at codon 154 of the AARS protein (p.Gln154His).